The following is an entry in ClinVar:

NM_004260.4(RECQL4):c.3049A>G (p.Arg1017Gly)

Gene: RECQL4 (RecQ like helicase 4; minus strand). Cytogenetic location: 8q24.3.
Variant type: single nucleotide variant.
Coding change: c.3049A>G on transcript NM_004260.4 (MANE Select); coding-DNA position 3049, A replaced by G.
Protein change: p.Arg1017Gly; replaces arginine 1017 with glycine.
Molecular consequence: missense variant.
Genome position (GRCh38, 1-based): chr8:144,512,398, T>C on the plus strand (A>G on the coding strand, the complement: RECQL4 is on the minus strand). VCF-style: chr8-144512398-T-C. GRCh37 (hg19) VCF-style: chr8-145737781-T-C.
Other names: short protein forms R1017G.
Identifiers: ClinVar variation 459450 (VCV000459450.3), dbSNP rs747239208, ClinGen allele CA4947964.

ClinVar aggregate classification (germline): Uncertain significance (1 of 4 stars; one submission).

Conditions:
Baller-Gerold syndrome (BGS). Also called: CRANIOSYNOSTOSIS WITH RADIAL DEFECTS. Identifiers: Orphanet 1225, MedGen C0265308, MONDO:0009039, OMIM 218600.

Allele frequency attached by ClinVar (database versions not stated): gnomAD exomes below 0.00001 and 0.00001; ExAC 0.00003.
gnomAD v4.1: 6 of 1,607,422 alleles (0.00037%); highest among the groups gnomAD compares: South Asian, 0.0011%; no homozygotes.

Submission:

Labcorp Genetics (formerly Invitae), Labcorp
Classification: Uncertain significance for Baller-Gerold syndrome. Last evaluated: 2023-05-14. Review status: criteria provided, single submitter. Criteria: Invitae Variant Classification Sherloc (09022015). Collection method: clinical testing. Allele origin: germline.
Comment: This sequence change replaces arginine, which is basic and polar, with glycine, which is neutral and non-polar, at codon 1017 of the RECQL4 protein (p.Arg1017Gly). In summary, the available evidence is currently insufficient to determine the role of this variant in disease. Therefore, it has been classified as a Variant of Uncertain Significance. Algorithms developed to predict the effect of missense changes on protein structure and function output the following: SIFT: "Not Available"; PolyPhen-2: "Not Available"; Align-GVGD: "Not Available". The glycine amino acid residue is found in multiple mammalian species, which suggests that this missense change does not adversely affect protein function. ClinVar contains an entry for this variant (Variation ID: 459450). This variant has not been reported in the literature in individuals affected with RECQL4-related conditions. This variant is present in population databases (rs747239208, gnomAD 0.006%).